The following is an entry in ClinVar:

NM_005263.5(GFI1):c.1013G>C (p.Arg338Pro)

Gene: GFI1 (growth factor independent 1 transcriptional repressor; minus strand). Cytogenetic location: 1p22.1.
Variant type: single nucleotide variant.
Coding change: c.1013G>C on transcript NM_005263.5 (MANE Select); coding-DNA position 1013, G replaced by C.
Protein change: p.Arg338Pro; replaces arginine 338 with proline.
Molecular consequence: missense variant.
Genome position (GRCh38, 1-based): chr1:92,478,665, C>G on the plus strand (G>C on the coding strand, the complement: GFI1 is on the minus strand). VCF-style: chr1-92478665-C-G. GRCh37 (hg19) VCF-style: chr1-92944222-C-G.
Other names: c.1013G>C, p.Arg338Pro (NM_001127215.3, NM_001127216.3); short protein forms R338P.
Identifiers: ClinVar variation 4263226 (VCV004263226.1).

ClinVar aggregate classification (germline): Uncertain significance (1 of 4 stars; one submission).

Submission:

Ambry Genetics
Classification: Uncertain significance. Last evaluated: 2025-08-03. Review status: criteria provided, single submitter. Criteria: Ambry Variant Classification Scheme 2023. Collection method: clinical testing. Allele origin: germline.
Comment: The p.R338P variant (also known as c.1013G>C), located in coding exon 5 of the GFI1 gene, results from a G to C substitution at nucleotide position 1013. The arginine at codon 338 is replaced by proline, an amino acid with dissimilar properties. This amino acid position is conserved. In addition, the in silico prediction for this alteration is inconclusive. Based on the available evidence, the clinical significance of this variant remains unclear.